The following is an entry in ClinVar:

ClinVar aggregate classification (germline): Conflicting classifications of pathogenicity. Review status: criteria provided, conflicting classifications (1 of 4 stars). 5 submissions from 5 submitters: Uncertain significance (3); Likely benign (2). Last evaluated 2026-03-17.

Conditions:
RBP3-related disorder. Also called: RBP3-related condition.
Inborn genetic diseases. Identifiers: MedGen C0950123, MeSH D030342.

Allele frequency attached by ClinVar (database versions not stated): ESP Exome Variant Server 0.00038.

Submissions (5):

PreventionGenetics, part of Exact Sciences
Classification: Uncertain significance for RBP3-related condition. Last evaluated: 2026-03-17. Review status: criteria provided, single submitter. Criteria: ACMG Guidelines, 2015. Collection method: clinical testing. Allele origin: germline.
Comment: The RBP3 c.1171G>A variant is predicted to result in the amino acid substitution p.Gly391Arg. To our knowledge, this variant has not been reported in the literature. This variant is reported in 0.11% of alleles in individuals of African descent in gnomAD. Although we suspect that this variant may be benign, at this time, the clinical significance of this variant is uncertain due to the absence of conclusive functional and genetic evidence.

Labcorp Genetics (formerly Invitae), Labcorp
Classification: Uncertain significance. Last evaluated: 2025-08-17. Review status: criteria provided, single submitter. Criteria: Invitae Variant Classification Sherloc (09022015). Collection method: clinical testing. Allele origin: germline.
Comment: This sequence change replaces glycine, which is neutral and non-polar, with arginine, which is basic and polar, at codon 391 of the RBP3 protein (p.Gly391Arg). This variant is present in population databases (rs142210499, gnomAD 0.1%). This variant has not been reported in the literature in individuals affected with RBP3-related conditions. ClinVar contains an entry for this variant (Variation ID: 1053669). Invitae Evidence Modeling of protein sequence and biophysical properties (such as structural, functional, and spatial information, amino acid conservation, physicochemical variation, residue mobility, and thermodynamic stability) indicates that this missense variant is not expected to disrupt RBP3 protein function with a negative predictive value of 80%. In summary, the available evidence is currently insufficient to determine the role of this variant in disease. Therefore, it has been classified as a Variant of Uncertain Significance.

Blueprint Genetics
Classification: Likely benign. Last evaluated: 2024-03-11. Review status: criteria provided, single submitter. Criteria: ACMG Guidelines, 2015. Collection method: clinical testing. Allele origin: germline.

Ambry Genetics
Classification: Likely benign for Inborn genetic diseases. Last evaluated: 2023-04-07. Review status: criteria provided, single submitter. Criteria: Ambry Variant Classification Scheme 2023. Collection method: clinical testing. Allele origin: germline.

Breakthrough Genomics
Classification: Uncertain significance. Review status: criteria provided, single submitter. Criteria: ACMG Guidelines, 2015. Collection method: not provided. Allele origin: germline. Inheritance: Autosomal recessive inheritance. Affected: yes.

NM_002900.3(RBP3):c.1171G>A (p.Gly391Arg)

Gene: RBP3 (retinol binding protein 3; plus strand). Cytogenetic location: 10q11.22.
Variant type: single nucleotide variant.
Coding change: c.1171G>A on transcript NM_002900.3 (MANE Select); coding-DNA position 1171, G replaced by A.
Protein change: p.Gly391Arg; replaces glycine 391 with arginine.
Molecular consequence: missense variant.
Genome position (GRCh38, 1-based): chr10:47,349,655, G>A. VCF-style: chr10-47349655-G-A. GRCh37 (hg19) VCF-style: chr10-48389707-C-T.
Other names: c.1171G>A (NM_002900.2); short protein forms G391R.
Identifiers: ClinVar variation 1053669 (VCV001053669.10), dbSNP rs142210499, ClinGen allele CA5487590.